The following is an entry in ClinVar:

ClinVar aggregate classification (germline): Conflicting classifications of pathogenicity. Review status: criteria provided, conflicting classifications (1 of 4 stars). 2 submissions from 2 submitters: Likely pathogenic (1); Uncertain significance (1). Last evaluated 2025-02-03.

Allele frequency attached by ClinVar (database versions not stated): gnomAD exomes 0.00001; gnomAD 0.00002; TOPMed 0.00003; ESP Exome Variant Server 0.00023.
gnomAD v4.1: 15 of 1,606,032 alleles (0.00093%); highest among the groups gnomAD compares: Non-Finnish European, 0.0013%; no homozygotes.

Submissions (2):

GeneDx
Classification: Likely pathogenic. Last evaluated: 2025-02-03. Review status: criteria provided, single submitter. Criteria: GeneDx Variant Classification Process June 2021. Collection method: clinical testing. Allele origin: germline. Affected: yes.
Comment: Not observed at significant frequency in large population cohorts (gnomAD); In silico analysis supports a deleterious effect on splicing; Has not been previously published as pathogenic or benign to our knowledge

Labcorp Genetics (formerly Invitae), Labcorp
Classification: Uncertain significance. Last evaluated: 2022-04-09. Review status: criteria provided, single submitter. Criteria: Invitae Variant Classification Sherloc (09022015). Collection method: clinical testing. Allele origin: germline.
Comment: In summary, the available evidence is currently insufficient to determine the role of this variant in disease. Therefore, it has been classified as a Variant of Uncertain Significance. Variants that disrupt the consensus splice site are a relatively common cause of aberrant splicing (PMID: 17576681, 9536098). Algorithms developed to predict the effect of sequence changes on RNA splicing suggest that this variant may disrupt the consensus splice site. ClinVar contains an entry for this variant (Variation ID: 1189224). This variant has not been reported in the literature in individuals affected with MBTPS1-related conditions. This variant is present in population databases (rs369928148, gnomAD 0.007%). This sequence change falls in intron 19 of the MBTPS1 gene. It does not directly change the encoded amino acid sequence of the MBTPS1 protein. It affects a nucleotide within the consensus splice site.

Literature cited by the submitters: PubMed 17576681 (cited by Labcorp Genetics (formerly Invitae), Labcorp); PubMed 9536098 (cited by Labcorp Genetics (formerly Invitae), Labcorp).

NM_003791.4(MBTPS1):c.2572+5G>A

Gene: MBTPS1 (membrane bound transcription factor peptidase, site 1; minus strand). Cytogenetic location: 16q23.3.
Variant type: single nucleotide variant.
Coding change: c.2572+5G>A on transcript NM_003791.4 (MANE Select); 5 bases into the intron after coding-DNA position 2572, G replaced by A.
Molecular consequence: intron variant.
Genome position (GRCh38, 1-based): chr16:84,063,300, C>T on the plus strand (G>A on the coding strand, the complement: MBTPS1 is on the minus strand). VCF-style: chr16-84063300-C-T. GRCh37 (hg19) VCF-style: chr16-84096905-C-T.
Identifiers: ClinVar variation 1189224 (VCV001189224.9), dbSNP rs369928148, ClinGen allele CA285443667.